The following is an entry in ClinVar:

NM_001170700.3(DTHD1):c.991_992del (p.Met331fs)

Gene: DTHD1 (death domain containing 1; plus strand). Cytogenetic location: 4p14.
Variant type: Deletion.
Coding change: c.991_992del on transcript NM_001170700.3 (MANE Select); coding-DNA positions 991 to 992, 2 bases deleted (AT; older notation c.991_992delAT).
Protein change: p.Met331fs; shifts the reading frame from methionine 331.
Molecular consequence: frameshift variant. On other transcripts: non-coding transcript variant (2).
Genome position (GRCh38, 1-based): chr4:36,290,476-36,290,477, AT deleted. VCF-style (leftmost placement, unchanged base first): chr4-36290475-CAT-C. GRCh37 (hg19) VCF-style: chr4-36292097-CAT-C.
Other names: c.121_122del, p.Met41fs (NM_001136536.5, NM_001378435.1); short protein forms M41fs, M331fs.
Identifiers: ClinVar variation 2103654 (VCV002103654.4), dbSNP rs2529717391, ClinGen allele CA2580070948.

ClinVar aggregate classification (germline): Uncertain significance (1 of 4 stars; one submission).

Submission:

Labcorp Genetics (formerly Invitae), Labcorp
Classification: Uncertain significance. Last evaluated: 2022-03-17. Review status: criteria provided, single submitter. Criteria: Invitae Variant Classification Sherloc (09022015). Collection method: clinical testing. Allele origin: germline.
Comment: This sequence change creates a premature translational stop signal (p.Met41Glufs*7) in the DTHD1 gene. It is expected to result in an absent or disrupted protein product. However, the current clinical and genetic evidence is not sufficient to establish whether loss-of-function variants in DTHD1 cause disease. This variant is not present in population databases (gnomAD no frequency). This variant has not been reported in the literature in individuals affected with DTHD1-related conditions. In summary, the available evidence is currently insufficient to determine the role of this variant in disease. Therefore, it has been classified as a Variant of Uncertain Significance.